The following is an entry in ClinVar:

ClinVar aggregate classification (germline): Uncertain significance (1 of 4 stars; one submission).

Submission:

CeGaT Center for Human Genetics Tuebingen
Classification: Uncertain significance. Last evaluated: 2025-09-01. Review status: criteria provided, single submitter. Criteria: CeGaT Center For Human Genetics Tuebingen Variant Classification Criteria Version 2. Collection method: clinical testing. Allele origin: germline. Affected: yes. Observed: 1 variant allele.
Comment: SCO2: PM2, BP4

NM_005138.3(SCO2):c.790G>A (p.Val264Ile)

Genes: NCAPH2 (non-SMC condensin II complex subunit H2; plus strand), SCO2 (synthesis of cytochrome C oxidase 2; minus strand). Cytogenetic location: 22q13.33.
Variant type: single nucleotide variant.
Coding change: c.790G>A on transcript NM_005138.3 (MANE Select); coding-DNA position 790, G replaced by A.
Protein change: p.Val264Ile; replaces valine 264 with isoleucine.
Molecular consequence: missense variant. On other transcripts: 3 prime UTR variant (2).
Genome position (GRCh38, 1-based): chr22:50,523,622, C>T on the plus strand (G>A on the coding strand, the complement: SCO2 is on the minus strand). VCF-style: chr22-50523622-C-T. GRCh37 (hg19) VCF-style: chr22-50962051-C-T.
Other names: c.*247C>T (NM_001185011.2, NM_152299.4); c.790G>A, p.Val264Ile (NM_001169109.2, NM_001169110.1, NM_001169111.2); short protein forms V264I.
Identifiers: ClinVar variation 2653399 (VCV002653399.24), dbSNP rs2148670603, ClinGen allele CA412190262.
Genomic context (GRCh38, chr22:50,523,622, plus strand): 5'-CACAGATTAAACGCAGCCCGTTTAATGATGGGGCCCAGACTGCAGTGGCTCAAGACAGGA[C>T]ACTGCGGAAAGCCGCCATGTGCCGCCGCACACTGTCTGAGATCTGCTCAGCCGATCTGCT-3'
Protein context (NP_005129.2, residues 254-266): VRRHMAAFRS[Val264Ile]LS